The following is an entry in ClinVar:

NM_000395.3(CSF2RB):c.1314G>C (p.Ser438=)

Gene: CSF2RB (colony stimulating factor 2 receptor subunit beta; plus strand). Cytogenetic location: 22q12.3.
Variant type: single nucleotide variant.
Coding change: c.1314G>C on transcript NM_000395.3 (MANE Select); coding-DNA position 1314, G replaced by C.
Protein change: p.Ser438=; no amino-acid change (serine 438 retained).
Molecular consequence: synonymous variant.
Genome position (GRCh38, 1-based): chr22:36,933,993, G>C. VCF-style: chr22-36933993-G-C. GRCh37 (hg19) VCF-style: chr22-37330035-G-C.
Identifiers: ClinVar variation 1440398 (VCV001440398.6), dbSNP rs772189360, ClinGen allele CA514371558.

ClinVar aggregate classification (germline): Uncertain significance (1 of 4 stars; one submission).

gnomAD v4.1: 6 of 1,612,032 alleles (0.00037%); highest among the groups gnomAD compares: African/African-American, 0.0013%; no homozygotes.

Submission:

Labcorp Genetics (formerly Invitae), Labcorp
Classification: Uncertain significance. Last evaluated: 2023-08-30. Review status: criteria provided, single submitter. Criteria: Invitae Variant Classification Sherloc (09022015). Collection method: clinical testing. Allele origin: germline.
Comment: This sequence change affects codon 438 of the CSF2RB mRNA. It is a 'silent' change, meaning that it does not change the encoded amino acid sequence of the CSF2RB protein. It affects a nucleotide within the consensus splice site. This variant is present in population databases (no rsID available, gnomAD 0.0009%). This variant has not been reported in the literature in individuals affected with CSF2RB-related conditions. ClinVar contains an entry for this variant (Variation ID: 1440398). Algorithms developed to predict the effect of sequence changes on RNA splicing suggest that this variant is not likely to affect RNA splicing. In summary, the available evidence is currently insufficient to determine the role of this variant in disease. Therefore, it has been classified as a Variant of Uncertain Significance.